The following is an entry in ClinVar:

NM_001080495.3(TNRC18):c.2380G>A (p.Asp794Asn)

Gene: TNRC18 (trinucleotide repeat containing 18; minus strand). Cytogenetic location: 7p22.1.
Variant type: single nucleotide variant.
Coding change: c.2380G>A on transcript NM_001080495.3 (MANE Select); coding-DNA position 2380, G replaced by A.
Protein change: p.Asp794Asn; replaces aspartic acid 794 with asparagine.
Molecular consequence: missense variant.
Genome position (GRCh38, 1-based): chr7:5,377,452, C>T on the plus strand (G>A on the coding strand, the complement: TNRC18 is on the minus strand). VCF-style: chr7-5377452-C-T. GRCh37 (hg19) VCF-style: chr7-5417083-C-T.
Other names: short protein forms D794N.
Identifiers: ClinVar variation 5030993 (VCV005030993.1).

ClinVar aggregate classification (germline): Uncertain significance (1 of 4 stars; one submission).

gnomAD v4.1: 12 of 1,585,312 alleles (0.00076%); highest among the groups gnomAD compares: East Asian, 0.0023%; no homozygotes.

Submission:

Ambry Genetics
Classification: Uncertain significance. Last evaluated: 2026-08-18. Review status: criteria provided, single submitter. Criteria: Ambry Variant Classification Scheme 2023. Collection method: clinical testing. Allele origin: germline.
Comment: The c.2380G>A (p.D794N) alteration is located in exon 7 (coding exon 6) of the TNRC18 gene. This alteration results from a G to A substitution at nucleotide position 2380, causing the aspartic acid (D) at amino acid position 794 to be replaced by an asparagine (N). Based on data from gnomAD, the A allele has an overall frequency of 0.002% (4/192612) total alleles studied. The highest observed frequency was 0.005% (4/82130) of European (non-Finnish) alleles. Based on insufficient or conflicting evidence, the clinical significance of this alteration remains unclear.